The following is an entry in ClinVar:

ClinVar aggregate classification (germline): Uncertain significance (1 of 4 stars; one submission).

Allele frequency attached by ClinVar (database versions not stated): gnomAD exomes below 0.00001; TOPMed below 0.00001; ExAC 0.00001.
gnomAD v4.1: 7 of 1,610,082 alleles (0.00043%); highest among the groups gnomAD compares: Non-Finnish European, 0.000085%; no homozygotes.

Submission:

Labcorp Genetics (formerly Invitae), Labcorp
Classification: Uncertain significance. Last evaluated: 2025-10-02. Review status: criteria provided, single submitter. Criteria: Invitae Variant Classification Sherloc (09022015). Collection method: clinical testing. Allele origin: germline.
Comment: This sequence change replaces glycine, which is neutral and non-polar, with serine, which is neutral and polar, at codon 1016 of the SPTBN2 protein (p.Gly1016Ser). This variant is present in population databases (rs752024042, gnomAD 0.02%). This variant has not been reported in the literature in individuals affected with SPTBN2-related conditions. ClinVar contains an entry for this variant (Variation ID: 2954675). Invitae Evidence Modeling of protein sequence and biophysical properties (such as structural, functional, and spatial information, amino acid conservation, physicochemical variation, residue mobility, and thermodynamic stability) indicates that this missense variant is not expected to disrupt SPTBN2 protein function with a negative predictive value of 80%. In summary, the available evidence is currently insufficient to determine the role of this variant in disease. Therefore, it has been classified as a Variant of Uncertain Significance.

NM_006946.4(SPTBN2):c.3046G>A (p.Gly1016Ser)

Gene: SPTBN2 (spectrin beta, non-erythrocytic 2; minus strand). Cytogenetic location: 11q13.2.
Variant type: single nucleotide variant.
Coding change: c.3046G>A on transcript NM_006946.4 (MANE Select); coding-DNA position 3046, G replaced by A.
Protein change: p.Gly1016Ser; replaces glycine 1016 with serine.
Molecular consequence: missense variant.
Genome position (GRCh38, 1-based): chr11:66,701,053, C>T on the plus strand (G>A on the coding strand, the complement: SPTBN2 is on the minus strand). VCF-style: chr11-66701053-C-T. GRCh37 (hg19) VCF-style: chr11-66468524-C-T.
Other names: c.3067G>A, p.Gly1023Ser (NM_001411025.1); short protein forms G1016S, G1023S.
Identifiers: ClinVar variation 2954675 (VCV002954675.3), dbSNP rs752024042, ClinGen allele CA6128950.